The following is an entry in ClinVar:

NM_001369.3(DNAH5):c.13338del (p.Ala4447fs)

Gene: DNAH5 (dynein axonemal heavy chain 5; minus strand). Cytogenetic location: 5p15.2.
Variant type: Deletion.
Coding change: c.13338del on transcript NM_001369.3 (MANE Select); coding-DNA position 13338, one base deleted (A; older notation c.13338delA).
Protein change: p.Ala4447fs; shifts the reading frame from alanine 4447.
Molecular consequence: frameshift variant.
Genome position (GRCh38, 1-based): chr5:13,708,123, T deleted on the plus strand (A on the coding strand, the reverse complement: DNAH5 is on the minus strand); the first of 6 consecutive T bases (chr5:13,708,123-13,708,128); deleting any one gives the same sequence. VCF-style (leftmost placement, unchanged base first): chr5-13708122-CT-C. GRCh37 (hg19) VCF-style: chr5-13708231-CT-C.
Other names: c.13338delA (NM_001369.2); short protein forms A4447fs.
Identifiers: ClinVar variation 454742 (VCV000454742.8), dbSNP rs1554017211, ClinGen allele CA658657427.

ClinVar aggregate classification (germline): Pathogenic/Likely pathogenic. Review status: criteria provided, multiple submitters, no conflicts (2 of 4 stars). 2 submissions from 2 submitters: Pathogenic (1); Likely pathogenic (1). Last evaluated 2024-03-27.

Conditions:
Primary ciliary dyskinesia. Also called: Ciliary dyskinesia. Identifiers: Orphanet 244, MedGen C0008780, MONDO:0016575, HP:0012265.

Submissions (2):

Natera, Inc.
Classification: Likely pathogenic for Primary ciliary dyskinesia. Last evaluated: 2024-03-27. Review status: criteria provided, single submitter. Criteria: Natera Variant Classification Schema (03/2026). Collection method: clinical testing. Allele origin: germline.
Comment: The c.13338delA variant in DNAH5 is a frameshift variant predicted to shift the reading frame beginning at codon 4447 and leads to a stop codon 16 codons downstream. This variant is expected to result in nonsense mediated decay, truncation, or a dysfunctional protein product. This variant is rare in the general population with a frequency below the threshold expected for the associated phenotype(s). Given the available evidence, this variant is classified as Likely Pathogenic.

Labcorp Genetics (formerly Invitae), Labcorp
Classification: Pathogenic for Primary ciliary dyskinesia. Last evaluated: 2017-01-05. Review status: criteria provided, single submitter. Criteria: Invitae Variant Classification Sherloc (09022015). Collection method: clinical testing. Allele origin: germline.
Comment: This sequence change deletes 1 nucleotide from exon 76 of the DNAH5 mRNA (c.13338delA), causing a frameshift at codon 4447. This creates a premature translational stop signal (p.Ala4447Leufs*16) and is expected to result in an absent or disrupted protein product. While this particular variant has not been reported in the literature, loss-of-function variants in DNAH5 are known to be pathogenic (PMID: 16627867, 11788826). For these reasons, this variant has been classified as Pathogenic.

Literature cited by the submitters: PubMed 16627867 (cited by Labcorp Genetics (formerly Invitae), Labcorp); PubMed 11788826 (cited by Labcorp Genetics (formerly Invitae), Labcorp).